The following is an entry in ClinVar:

ClinVar aggregate classification (germline): Pathogenic (1 of 4 stars; one submission).

Conditions:
Fanconi anemia (FA). Also called: Fanconi's anemia. Identifiers: Orphanet 84, MedGen C0015625, MeSH D005199, MONDO:0019391.

Submission:

Labcorp Genetics (formerly Invitae), Labcorp
Classification: Pathogenic for Fanconi anemia. Last evaluated: 2022-09-19. Review status: criteria provided, single submitter. Criteria: Invitae Variant Classification Sherloc (09022015). Collection method: clinical testing. Allele origin: germline.
Comment: For these reasons, this variant has been classified as Pathogenic. This variant has not been reported in the literature in individuals affected with FANCA-related conditions. This variant is not present in population databases (gnomAD no frequency). This sequence change creates a premature translational stop signal (p.Asp1016Glufs*12) in the FANCA gene. It is expected to result in an absent or disrupted protein product. Loss-of-function variants in FANCA are known to be pathogenic (PMID: 19367192).

Literature cited by the submitters: PubMed 19367192.

NM_000135.4(FANCA):c.3047dup (p.Asp1016fs)

Gene: FANCA (FA complementation group A; minus strand). Cytogenetic location: 16q24.3.
Variant type: Duplication.
Coding change: c.3047dup on transcript NM_000135.4 (MANE Select); coding-DNA position 3047, one base duplicated (A; older notation c.3047dupA).
Protein change: p.Asp1016fs; shifts the reading frame from aspartic acid 1016.
Molecular consequence: frameshift variant.
Genome position (GRCh38, 1-based): chr16:89,752,157, T duplicated on the plus strand (A on the coding strand, the reverse complement: FANCA is on the minus strand). VCF-style (leftmost placement, unchanged base first): chr16-89752156-A-AT. GRCh37 (hg19) VCF-style: chr16-89818564-A-AT.
Other names: c.3047dup, p.Asp1016fs (NM_001286167.3); short protein forms D1016fs.
Identifiers: ClinVar variation 2031183 (VCV002031183.4), dbSNP rs2544138067, ClinGen allele CA2576101592.